The following is an entry in ClinVar:

ClinVar aggregate classification (germline): Likely benign. Review status: criteria provided, single submitter (1 of 4 stars). 2 submissions from 2 submitters: Likely benign (1). 1 of the submissions does not count toward it. Last evaluated 2025-08-16.

Conditions:
DNAH9-related disorder. Also called: DNAH9-related condition.

Allele frequency attached by ClinVar (database versions not stated): ExAC 0.00009; ESP Exome Variant Server 0.00015; TOPMed 0.00017; gnomAD 0.00018; 1000 Genomes Project 30x 0.00062; 1000 Genomes Project 0.00080.
gnomAD v4.1: 53 of 1,614,140 alleles (0.0033%); highest among the groups gnomAD compares: African/African-American, 0.053%; no homozygotes.

Submissions (2):

Labcorp Genetics (formerly Invitae), Labcorp
Classification: Likely benign. Last evaluated: 2025-08-16. Review status: criteria provided, single submitter. Criteria: Invitae Variant Classification Sherloc (09022015). Collection method: clinical testing. Allele origin: germline.

PreventionGenetics, part of Exact Sciences
Classification: Likely benign for DNAH9-related condition. Last evaluated: 2019-08-09. Review status: no assertion criteria provided. Collection method: clinical testing. Allele origin: germline. Not counted in ClinVar's aggregate classification.
Comment: This variant is classified as likely benign based on ACMG/AMP sequence variant interpretation guidelines (Richards et al. 2015 PMID: 25741868, with internal and published modifications).

NM_001372.4(DNAH9):c.10917G>C (p.Val3639=)

Genes: DNAH9 (dynein axonemal heavy chain 9; plus strand), LOC101928350 (uncharacterized LOC101928350; minus strand). Cytogenetic location: 17p12.
Variant type: single nucleotide variant.
Coding change: c.10917G>C on transcript NM_001372.4 (MANE Select); coding-DNA position 10917, G replaced by C.
Protein change: p.Val3639=; no amino-acid change (valine 3639 retained).
Molecular consequence: synonymous variant. On other transcripts: 5 prime UTR variant (1).
Genome position (GRCh38, 1-based): chr17:11,883,696, G>C. VCF-style: chr17-11883696-G-C. GRCh37 (hg19) VCF-style: chr17-11787013-G-C.
Other names: c.-148G>C (NM_004662.2); c.10917G>C (NM_001372.3).
Identifiers: ClinVar variation 2203128 (VCV002203128.6), dbSNP rs145691202, ClinGen allele CA8397672.